The following is an entry in ClinVar:

ClinVar aggregate classification (germline): Pathogenic. Review status: criteria provided, multiple submitters, no conflicts (2 of 4 stars). 3 submissions from 3 submitters: Pathogenic (3). Last evaluated 2023-10-02.

Conditions:
Severe X-linked myotubular myopathy (CNMX). Also called: MYOTUBULAR MYOPATHY 1; X-linked centronuclear myopathy; Myotubular myopathy, X-linked. Identifiers: Orphanet 596, MedGen C0410203, MONDO:0010683, OMIM 310400.

Submissions (3):

Baylor Genetics
Classification: Pathogenic for Severe X-linked myotubular myopathy. Last evaluated: 2023-10-02. Review status: criteria provided, single submitter. Criteria: ACMG Guidelines, 2015. Collection method: clinical testing. Allele origin: unknown.

Labcorp Genetics (formerly Invitae), Labcorp
Classification: Pathogenic for Severe X-linked myotubular myopathy. Last evaluated: 2023-07-17. Review status: criteria provided, single submitter. Criteria: Invitae Variant Classification Sherloc (09022015). Collection method: clinical testing. Allele origin: germline.
Comment: For these reasons, this variant has been classified as Pathogenic. ClinVar contains an entry for this variant (Variation ID: 158985). This sequence change creates a premature translational stop signal (p.Tyr198Leufs*51) in the MTM1 gene. It is expected to result in an absent or disrupted protein product. Loss-of-function variants in MTM1 are known to be pathogenic (PMID: 9305655, 10063835). This variant is not present in population databases (gnomAD no frequency). This premature translational stop signal has been observed in individual(s) with X-linked myotubular myopathy (PMID: 9285787). This variant is also known as ∆643–646 ACTT.

Genetic Services Laboratory, University of Chicago
Classification: Pathogenic for Myotubular myopathy, X-linked. Last evaluated: 2013-02-08. Review status: criteria provided, single submitter. Criteria: ACMG Guidelines, 2007. Collection method: clinical testing. Allele origin: germline. Inheritance: X-linked inheritance. Affected: yes.

Literature cited by the submitters: PubMed 9305655 (cited by Labcorp Genetics (formerly Invitae), Labcorp); PubMed 10063835 (cited by Labcorp Genetics (formerly Invitae), Labcorp); PubMed 9285787 (cited by Labcorp Genetics (formerly Invitae), Labcorp).

NM_000252.3(MTM1):c.591_594del (p.Tyr198fs)

Gene: MTM1 (myotubularin 1; plus strand). Cytogenetic location: Xq28.
Variant type: Deletion.
Coding change: c.591_594del on transcript NM_000252.3 (MANE Select); coding-DNA positions 591 to 594, 4 bases deleted (TTAC; older notation c.591_594delTTAC).
Protein change: p.Tyr198fs; shifts the reading frame from tyrosine 198.
Molecular consequence: frameshift variant.
Genome position (GRCh38, 1-based): chrX:150,641,331-150,641,334, TTAC deleted; deleting any 4 consecutive bases within chrX:150,641,329-150,641,334 gives the same sequence; the c. name uses the placement nearest the transcript's 3' end. VCF-style (leftmost placement, unchanged base first): chrX-150641328-CACTT-C. GRCh37 (hg19) VCF-style: chrX-149809801-CACTT-C.
Other names: c.591_594del, p.Tyr198fs (NM_001376906.1, NM_001376908.1); c.480_483del, p.Tyr161fs (NM_001376907.1); short protein forms Y198fs, Y161fs.
Identifiers: ClinVar variation 158985 (VCV000158985.10), dbSNP rs587783839, ClinGen allele CA271905.